The following is an entry in ClinVar:

ClinVar aggregate classification (germline): Uncertain significance (1 of 4 stars; one submission).

Submission:

GeneDx
Classification: Uncertain significance. Last evaluated: 2022-11-14. Review status: criteria provided, single submitter. Criteria: GeneDx Variant Classification Process June 2021. Collection method: clinical testing. Allele origin: germline. Affected: yes.
Comment: Not observed at significant frequency in large population cohorts (gnomAD); Frameshift variant predicted to result in protein truncation or nonsense mediated decay in a gene or region of a gene for which loss of function is not a well-established mechanism of disease; Has not been previously published as pathogenic or benign to our knowledge

NM_006947.4(SRP72):c.24_25delinsT (p.Val9fs)

Genes: SRP72 (signal recognition particle 72; plus strand), LOC129992625 (ATAC-STARR-seq lymphoblastoid active region 21580; plus strand). Cytogenetic location: 4q12.
Variant type: Indel.
Coding change: c.24_25delinsT on transcript NM_006947.4 (MANE Select); coding-DNA positions 24 to 25, GG replaced by T.
Protein change: p.Val9fs; shifts the reading frame from valine 9.
Molecular consequence: frameshift variant. On other transcripts: non-coding transcript variant (1).
Genome position (GRCh38, 1-based): chr4:56,467,659-56,467,660, GG replaced by T. VCF-style: chr4-56467659-GG-T. GRCh37 (hg19) VCF-style: chr4-57333825-GG-T.
Other names: c.24_25delinsT, p.Val9fs (NM_001267722.2); short protein forms V9fs.
Identifiers: ClinVar variation 2502092 (VCV002502092.1), dbSNP rs2545742767, ClinGen allele CA2580616106.
Genomic context (GRCh38, chr4:56,467,659, plus strand): 5'-CAGAGGTCTCCCCGCCCCGCCCCTCGTCTCCTCCAAGATGGCGAGCGGCGGCAGCGGGGG[GG>T]TGTCAGTACCTGCGCTGTGGAGTGAAGTGAACCGGTATGGCCAGAACGGCGACTTCACGC-3'